The following is an entry in ClinVar:

NM_014727.3(KMT2B):c.6862T>A (p.Ser2288Thr)

Gene: KMT2B (lysine methyltransferase 2B; plus strand). Cytogenetic location: 19q13.12.
Variant type: single nucleotide variant.
Coding change: c.6862T>A on transcript NM_014727.3 (MANE Select); coding-DNA position 6862, T replaced by A.
Protein change: p.Ser2288Thr; replaces serine 2288 with threonine.
Molecular consequence: missense variant.
Genome position (GRCh38, 1-based): chr19:35,733,411, T>A. VCF-style: chr19-35733411-T-A. GRCh37 (hg19) VCF-style: chr19-36224312-T-A.
Other names: short protein forms S2288T.
Identifiers: ClinVar variation 2996431 (VCV002996431.3), dbSNP rs1969799190, ClinGen allele CA405430320.

ClinVar aggregate classification (germline): Uncertain significance (1 of 4 stars; one submission).

Allele frequency attached by ClinVar (database versions not stated): gnomAD exomes below 0.00001.
gnomAD v4.1: 1 of 1,517,076 alleles (0.000066%); highest among the groups gnomAD compares: Non-Finnish European, 0.000089%; no homozygotes.

Submission:

Labcorp Genetics (formerly Invitae), Labcorp
Classification: Uncertain significance. Last evaluated: 2023-11-28. Review status: criteria provided, single submitter. Criteria: Invitae Variant Classification Sherloc (09022015). Collection method: clinical testing. Allele origin: germline.
Comment: This sequence change replaces serine, which is neutral and polar, with threonine, which is neutral and polar, at codon 2288 of the KMT2B protein (p.Ser2288Thr). This variant is not present in population databases (gnomAD no frequency). This variant has not been reported in the literature in individuals affected with KMT2B-related conditions. Advanced modeling of protein sequence and biophysical properties (such as structural, functional, and spatial information, amino acid conservation, physicochemical variation, residue mobility, and thermodynamic stability) performed at Invitae indicates that this missense variant is not expected to disrupt KMT2B protein function with a negative predictive value of 95%. In summary, the available evidence is currently insufficient to determine the role of this variant in disease. Therefore, it has been classified as a Variant of Uncertain Significance.